The following is an entry in ClinVar:

ClinVar aggregate classification (germline): Uncertain significance (1 of 4 stars; one submission).

Conditions:
Surfactant metabolism dysfunction, pulmonary, 4 (SMDP4). Also called: PULMONARY ALVEOLAR PROTEINOSIS, CONGENITAL, 4; PAP DUE TO CSF2RA DEFICIENCY; CSF2RA DEFICIENCY. Identifiers: Orphanet 264675, MedGen C2677877, MONDO:0010424, OMIM 300770.

Submission:

Labcorp Genetics (formerly Invitae), Labcorp
Classification: Uncertain significance for Surfactant metabolism dysfunction, pulmonary, 4. Last evaluated: 2022-10-26. Review status: criteria provided, single submitter. Criteria: Invitae Variant Classification Sherloc (09022015). Collection method: clinical testing. Allele origin: germline.
Comment: In summary, the available evidence is currently insufficient to determine the role of this variant in disease. Therefore, it has been classified as a Variant of Uncertain Significance. Algorithms developed to predict the effect of missense changes on protein structure and function are either unavailable or do not agree on the potential impact of this missense change (SIFT: "Deleterious"; PolyPhen-2: "Probably Damaging"; Align-GVGD: "Class C0"). ClinVar contains an entry for this variant (Variation ID: 845330). This variant has not been reported in the literature in individuals affected with CSF2RA-related conditions. This variant is not present in population databases (gnomAD no frequency). This sequence change replaces leucine, which is neutral and non-polar, with proline, which is neutral and non-polar, at codon 355 of the CSF2RA protein (p.Leu355Pro).

NM_172245.4(CSF2RA):c.1064T>C (p.Leu355Pro)

Gene: CSF2RA (colony stimulating factor 2 receptor subunit alpha; plus strand). Cytogenetic location: Xp22.33.
Variant type: single nucleotide variant.
Coding change: c.1064T>C on transcript NM_172245.4 (MANE Select); coding-DNA position 1064, T replaced by C.
Protein change: p.Leu355Pro; replaces leucine 355 with proline.
Molecular consequence: missense variant. On other transcripts: non-coding transcript variant (1), intron variant (1).
Genome position (GRCh38, 1-based): chrX:1,305,466, T>C. VCF-style: chrX-1305466-T-C. GRCh37 (hg19) VCF-style: chrX-1424359-T-C.
Other names: c.1064T>C, p.Leu355Pro (NM_001161529.2, NM_001161531.2, NM_001379155.1 and 9 more transcripts); c.1166T>C, p.Leu389Pro (NM_001161530.2, NM_001379153.1, NM_001379154.1); c.665T>C, p.Leu222Pro (NM_001161532.2); c.1034T>C, p.Leu345Pro (NM_001379160.1); c.875T>C, p.Leu292Pro (NM_001379166.1); c.967T>C, p.Cys323Arg (NM_001379167.1, NM_001379168.1, NM_001379169.1 and 1 more transcripts); c.667T>C, p.Cys223Arg (NM_172249.4); c.947-3936T>C (NM_172246.4); short protein forms L222P, C223R, C323R, L355P, L389P, L345P, L292P.
Identifiers: ClinVar variation 845330 (VCV000845330.9), dbSNP rs2083462723, ClinGen allele CA412237030.